The following is an entry in ClinVar:

ClinVar aggregate classification (germline): Uncertain significance (1 of 4 stars; one submission).

Conditions:
Finnish congenital nephrotic syndrome (NPHS1). Also called: NEPHROTIC SYNDROME, TYPE 1. Identifiers: Orphanet 839, MedGen C0403399, MONDO:0009732, OMIM 256300.

Allele frequency attached by ClinVar (database versions not stated): gnomAD below 0.00001 and 0.00001; gnomAD exomes below 0.00001 and 0.00002; ExAC 0.00002.
gnomAD v4.1: 8 of 1,613,974 alleles (0.0005%); highest among the groups gnomAD compares: South Asian, 0.0088%; no homozygotes.

Submission:

Broad Center for Mendelian Genomics, Broad Institute of MIT and Harvard
Classification: Uncertain significance for Finnish congenital nephrotic syndrome. Last evaluated: 2018-12-03. Review status: criteria provided, single submitter. Criteria: ACMG Guidelines, 2015. Collection method: research. Allele origin: germline. Inheritance: Autosomal recessive inheritance. Affected: yes.
Comment: The p.Ile759Thr variant in NPHS1 has not been previously reported in individuals with nephrotic syndrome but was seen in 0.01299% (4/30782) of South Asian chromosomes by the Genome Aggregation Database (gnomAD; dbSNP rs775313529). Although this variant has been seen in the general population, its frequency is low enough to be consistent with a recessive carrier frequency. Computational prediction tools and conservation analyses suggest that this variant may impact the protein, though this information is not predictive enough to determine pathogenicity. In summary, the clinical significance of the p.Ile759Thr variant is uncertain. ACMG/AMP Criteria applied: PM2, PP3 (Richards 2015).

NM_004646.4(NPHS1):c.2276T>C (p.Ile759Thr)

Gene: NPHS1 (NPHS1 adhesion molecule, nephrin; minus strand). Cytogenetic location: 19q13.12.
Variant type: single nucleotide variant.
Coding change: c.2276T>C on transcript NM_004646.4 (MANE Select); coding-DNA position 2276, T replaced by C.
Protein change: p.Ile759Thr; replaces isoleucine 759 with threonine.
Molecular consequence: missense variant.
Genome position (GRCh38, 1-based): chr19:35,843,530, A>G on the plus strand (T>C on the coding strand, the complement: NPHS1 is on the minus strand). VCF-style: chr19-35843530-A-G. GRCh37 (hg19) VCF-style: chr19-36334432-A-G.
Other names: short protein forms I759T.
Identifiers: ClinVar variation 813918 (VCV000813918.1), dbSNP rs775313529, ClinGen allele CA9390177.